The following is an entry in ClinVar:

NM_022897.5(RANBP17):c.2100A>G (p.Val700=)

Gene: RANBP17 (RAN binding protein 17; plus strand). Cytogenetic location: 5q35.1.
Variant type: single nucleotide variant.
Coding change: c.2100A>G on transcript NM_022897.5 (MANE Select); coding-DNA position 2100, A replaced by G.
Protein change: p.Val700=; no amino-acid change (valine 700 retained).
Molecular consequence: synonymous variant.
Genome position (GRCh38, 1-based): chr5:171,199,731, A>G. VCF-style: chr5-171199731-A-G. GRCh37 (hg19) VCF-style: chr5-170626735-A-G.
Identifiers: ClinVar variation 3055389 (VCV003055389.2), dbSNP rs35724654, ClinGen allele CA3557749.

ClinVar aggregate classification (germline): Benign (0 of 4 stars; one submission).

Conditions:
RANBP17-related disorder. Also called: RANBP17-related condition.

Allele frequency attached by ClinVar (database versions not stated): 1000 Genomes Project 0.06450; 1000 Genomes Project 30x 0.06496; TOPMed 0.09863; gnomAD 0.10982; ExAC 0.11734; ESP Exome Variant Server 0.11833; gnomAD exomes 0.14955.
gnomAD v4.1: 233,280 of 1,606,870 alleles (15%); highest among the groups gnomAD compares: Non-Finnish European, 17%; 18,887 homozygotes.

Submission:

PreventionGenetics, part of Exact Sciences
Classification: Benign for RANBP17-related condition. Last evaluated: 2019-12-03. Review status: no assertion criteria provided. Collection method: clinical testing. Allele origin: germline.
Comment: This variant is classified as benign based on ACMG/AMP sequence variant interpretation guidelines (Richards et al. 2015 PMID: 25741868, with internal and published modifications).